The following is an entry in ClinVar:

NM_005120.3(MED12):c.6309_6326dup (p.Gln2110_Gln2115dup)

Gene: MED12 (mediator complex subunit 12; plus strand). Cytogenetic location: Xq13.1.
Variant type: Duplication.
Coding change: c.6309_6326dup on transcript NM_005120.3 (MANE Select); coding-DNA positions 6309 to 6326, 18 bases duplicated (ACAGCAACAGCAGCAGCA).
Protein change: p.Gln2110_Gln2115dup.
Molecular consequence: inframe insertion.
Genome position (GRCh38, 1-based): chrX:71,141,271-71,141,288, ACAGCAACAGCAGCAGCA duplicated; duplicating any 18 consecutive bases within chrX:71,141,260-71,141,288 gives the same sequence; the c. name uses the placement nearest the transcript's 3' end. VCF-style (leftmost placement, unchanged base first): chrX-71141259-G-GCAGCAGCAGCAACAGCAA. GRCh37 (hg19) VCF-style: chrX-70361109-G-GCAGCAGCAGCAACAGCAA.
Identifiers: ClinVar variation 1416813 (VCV001416813.6), dbSNP rs2147841816, ClinGen allele CA2573159601.

ClinVar aggregate classification (germline): Uncertain significance (1 of 4 stars; one submission).

Conditions:
FG syndrome (FGS). Identifiers: MedGen C0220769, MONDO:0002010.

Submission:

Labcorp Genetics (formerly Invitae), Labcorp
Classification: Uncertain significance for FG syndrome. Last evaluated: 2021-09-17. Review status: criteria provided, single submitter. Criteria: Invitae Variant Classification Sherloc (09022015). Collection method: clinical testing. Allele origin: germline.
Comment: This variant, c.6309_6326dup, results in the insertion of 6 amino acid(s) to the MED12 protein (p.Gln2110_Gln2115dup), but otherwise preserves the integrity of the reading frame. This variant is not present in population databases (ExAC no frequency). This variant has not been reported in the literature in individuals affected with MED12-related conditions. Experimental studies and prediction algorithms are not available or were not evaluated, and the functional significance of this variant is currently unknown. In summary, the available evidence is currently insufficient to determine the role of this variant in disease. Therefore, it has been classified as a Variant of Uncertain Significance.